The following is an entry in ClinVar:

NM_006118.4(HAX1):c.716C>G (p.Thr239Arg)

Gene: HAX1 (HCLS1 associated protein X-1; plus strand). Cytogenetic location: 1q21.3.
Variant type: single nucleotide variant.
Coding change: c.716C>G on transcript NM_006118.4 (MANE Select); coding-DNA position 716, C replaced by G.
Protein change: p.Thr239Arg; replaces threonine 239 with arginine.
Molecular consequence: missense variant.
Genome position (GRCh38, 1-based): chr1:154,275,445, C>G. VCF-style: chr1-154275445-C-G. GRCh37 (hg19) VCF-style: chr1-154247921-C-G.
Other names: c.572C>G, p.Thr191Arg (NM_001018837.2); short protein forms T191R, T239R.
Identifiers: ClinVar variation 4269047 (VCV004269047.1).

ClinVar aggregate classification (germline): Uncertain significance (1 of 4 stars; one submission).

Conditions:
Inborn genetic diseases. Identifiers: MedGen C0950123, MeSH D030342.

Submission:

Ambry Genetics
Classification: Uncertain significance for Inborn genetic diseases. Last evaluated: 2025-08-20. Review status: criteria provided, single submitter. Criteria: Ambry Variant Classification Scheme 2023. Collection method: clinical testing. Allele origin: germline.
Comment: The p.T239R variant (also known as c.716C>G), located in coding exon 6 of the HAX1 gene, results from a C to G substitution at nucleotide position 716. The threonine at codon 239 is replaced by arginine, an amino acid with similar properties. This amino acid position is conserved. In addition, the in silico prediction for this alteration is inconclusive. Based on the available evidence, the clinical significance of this variant remains unclear.